The following is an entry in ClinVar:

NM_000377.3(WAS):c.1422G>T (p.Met474Ile)

Gene: WAS (WASP actin nucleation promoting factor; plus strand). Cytogenetic location: Xp11.23.
Variant type: single nucleotide variant.
Coding change: c.1422G>T on transcript NM_000377.3 (MANE Select); coding-DNA position 1422, G replaced by T.
Protein change: p.Met474Ile; replaces methionine 474 with isoleucine.
Molecular consequence: missense variant.
Genome position (GRCh38, 1-based): chrX:48,689,403, G>T. VCF-style: chrX-48689403-G-T. GRCh37 (hg19) VCF-style: chrX-48547792-G-T.
Other names: c.1266G>T, p.Met422Ile (NM_001438876.1, NM_001438878.1); c.1422G>T, p.Met474Ile (NM_001438877.1, NM_001438879.1); short protein forms M474I, M422I.
Identifiers: ClinVar variation 4790375 (VCV004790375.1).

ClinVar aggregate classification (germline): Uncertain significance (1 of 4 stars; one submission).

Conditions:
Thrombocytopenia 1. Also called: THROMBOCYTOPENIA, X-LINKED, 1; X-Linked Thrombocytopenia (XLT); X-linked thrombocytopenia with normal platelets. Identifiers: Orphanet 268322, Orphanet 852, MedGen C1839163, MONDO:0010743, OMIM 313900.
Wiskott-Aldrich syndrome (WAS). Also called: ALDRICH SYNDROME; IMMUNODEFICIENCY 2; WISKOTT-ALDRICH SYNDROME 1; Wiskott-aldrich syndrome, somatic. Identifiers: Orphanet 906, MedGen C0043194, MONDO:0010518, OMIM 301000.
X-linked severe congenital neutropenia (SCNX). Identifiers: Orphanet 86788, MedGen C1845987, MONDO:0010294, OMIM 300299.

gnomAD v4.1: 3 of 1,209,883 alleles (0.00025%); highest among the groups gnomAD compares: Admixed American, 0.0065%; no homozygotes.

Submission:

Labcorp Genetics (formerly Invitae), Labcorp
Classification: Uncertain significance for Wiskott-Aldrich syndrome; X-linked severe congenital neutropenia; Thrombocytopenia 1. Last evaluated: 2025-07-30. Review status: criteria provided, single submitter. Criteria: Invitae Variant Classification Sherloc (09022015). Collection method: clinical testing. Allele origin: germline.
Comment: This sequence change replaces methionine, which is neutral and non-polar, with isoleucine, which is neutral and non-polar, at codon 474 of the WAS protein (p.Met474Ile). The frequency data for this variant in the population databases is considered unreliable, as metrics indicate poor data quality at this position in the gnomAD database. This variant has not been reported in the literature in individuals affected with WAS-related conditions. Invitae Evidence Modeling of protein sequence and biophysical properties (such as structural, functional, and spatial information, amino acid conservation, physicochemical variation, residue mobility, and thermodynamic stability) has been performed for this missense variant. However, the output from this modeling did not meet the statistical confidence thresholds required to predict the impact of this variant on WAS protein function. In summary, the available evidence is currently insufficient to determine the role of this variant in disease. Therefore, it has been classified as a Variant of Uncertain Significance.